The following is an entry in ClinVar:

NM_003611.3(OFD1):c.2599+5del

Gene: OFD1 (OFD1 centriole and centriolar satellite protein; plus strand). Cytogenetic location: Xp22.2.
Variant type: Deletion.
Coding change: c.2599+5del on transcript NM_003611.3 (MANE Select); 5 bases into the intron after coding-DNA position 2599, one base deleted (G; older notation c.2599+5delG).
Molecular consequence: intron variant.
Genome position (GRCh38, 1-based): chrX:13,763,860, G deleted. VCF-style (leftmost placement, unchanged base first): chrX-13763859-AG-A. GRCh37 (hg19) VCF-style: chrX-13781978-AG-A.
Other names: c.2179+5del (NM_001330210.2); c.2479+5del (NM_001330209.2).
Identifiers: ClinVar variation 2940423 (VCV002940423.3), dbSNP rs2048027352, ClinGen allele CA2416373627.

ClinVar aggregate classification (germline): Uncertain significance (1 of 4 stars; one submission).

Conditions:
Joubert syndrome. Also called: CEREBELLOPARENCHYMAL DISORDER IV; JOUBERT-BOLTSHAUSER SYNDROME; Familial aplasia of the vermis. Identifiers: Orphanet 475, MedGen C5979921, MONDO:0018772.
Orofaciodigital syndrome I (OFD1). Also called: OFDS I; Papillon-Leage and Psaume Syndrome; Oral-Facial-Digital Syndrome Type I. Identifiers: Orphanet 2750, MedGen C1510460, MONDO:0010702, OMIM 311200.

Submission:

Labcorp Genetics (formerly Invitae), Labcorp
Classification: Uncertain significance for Orofaciodigital syndrome I; Joubert syndrome. Last evaluated: 2024-04-25. Review status: criteria provided, single submitter. Criteria: Invitae Variant Classification Sherloc (09022015). Collection method: clinical testing. Allele origin: germline.
Comment: This sequence change falls in intron 19 of the OFD1 gene. It does not directly change the encoded amino acid sequence of the OFD1 protein. It affects a nucleotide within the consensus splice site. This variant is not present in population databases (gnomAD no frequency). This variant has not been reported in the literature in individuals affected with OFD1-related conditions. Variants that disrupt the consensus splice site are a relatively common cause of aberrant splicing (PMID: 17576681, 9536098). Algorithms developed to predict the effect of sequence changes on RNA splicing suggest that this variant may disrupt the consensus splice site. In summary, the available evidence is currently insufficient to determine the role of this variant in disease. Therefore, it has been classified as a Variant of Uncertain Significance.

Literature cited by the submitters: PubMed 17576681; PubMed 9536098.